The following is an entry in ClinVar:

NM_002900.3(RBP3):c.2047G>A (p.Ala683Thr)

Gene: RBP3 (retinol binding protein 3; plus strand). Cytogenetic location: 10q11.22.
Variant type: single nucleotide variant.
Coding change: c.2047G>A on transcript NM_002900.3 (MANE Select); coding-DNA position 2047, G replaced by A.
Protein change: p.Ala683Thr; replaces alanine 683 with threonine.
Molecular consequence: missense variant.
Genome position (GRCh38, 1-based): chr10:47,350,531, G>A. VCF-style: chr10-47350531-G-A. GRCh37 (hg19) VCF-style: chr10-48388831-C-T.
Other names: short protein forms A683T.
Identifiers: ClinVar variation 1416076 (VCV001416076.6), dbSNP rs2132254567, ClinGen allele CA376671974.

ClinVar aggregate classification (germline): Uncertain significance (1 of 4 stars; one submission).

Submission:

Labcorp Genetics (formerly Invitae), Labcorp
Classification: Uncertain significance. Last evaluated: 2025-10-22. Review status: criteria provided, single submitter. Criteria: Invitae Variant Classification Sherloc (09022015). Collection method: clinical testing. Allele origin: germline.
Comment: This sequence change replaces alanine, which is neutral and non-polar, with threonine, which is neutral and polar, at codon 683 of the RBP3 protein (p.Ala683Thr). This variant is not present in population databases (gnomAD no frequency). This variant has not been reported in the literature in individuals affected with RBP3-related conditions. ClinVar contains an entry for this variant (Variation ID: 1416076). Invitae Evidence Modeling of protein sequence and biophysical properties (such as structural, functional, and spatial information, amino acid conservation, physicochemical variation, residue mobility, and thermodynamic stability) indicates that this missense variant is not expected to disrupt RBP3 protein function with a negative predictive value of 80%. In summary, the available evidence is currently insufficient to determine the role of this variant in disease. Therefore, it has been classified as a Variant of Uncertain Significance.